The following is an entry in ClinVar:

NC_000012.12:g.121641235G>T

Gene: ORAI1 (ORAI calcium release-activated calcium modulator 1; plus strand). Cytogenetic location: 12q24.31.
Variant type: single nucleotide variant.
Genome position: GRCh38 VCF-style: chr12-121641235-G-T. GRCh37 (hg19) VCF-style: chr12-122079141-G-T.
Other names: c.498G>T, p.Glu166Asp (NM_032790.4); short protein forms E166D.
Identifiers: ClinVar variation 1357707 (VCV001357707.6), dbSNP rs781910070, ClinGen allele CA386983338.
Genomic context (GRCh38, chr12:121,641,235, plus strand): 5'-CAACATCGAGGCGGTGAGCAACGTGCACAATCTCAACTCGGTCAAGGAGTCCCCCCATGA[G>T]CGCATGCACCGCCACATCGAGCTGGCCTGGGCCTTCTCCACCGTCATCGGCACGCTGCTC-3'

ClinVar aggregate classification (germline): Uncertain significance (1 of 4 stars; one submission).

Conditions:
Myopathy, tubular aggregate, 2 (TAM2). Identifiers: MedGen C4014557, MONDO:0014383, OMIM 615883.
Combined immunodeficiency due to ORAI1 deficiency. Also called: IMMUNODEFICIENCY 9. Identifiers: Orphanet 169090, Orphanet 317428, MedGen C2748568, MONDO:0013007, OMIM 612782.

Submission:

Labcorp Genetics (formerly Invitae), Labcorp
Classification: Uncertain significance for Myopathy, tubular aggregate, 2; Combined immunodeficiency due to ORAI1 deficiency. Last evaluated: 2021-05-31. Review status: criteria provided, single submitter. Criteria: Invitae Variant Classification Sherloc (09022015). Collection method: clinical testing. Allele origin: germline.
Comment: This sequence change replaces glutamic acid with aspartic acid at codon 166 of the ORAI1 protein (p.Glu166Asp). The glutamic acid residue is highly conserved and there is a small physicochemical difference between glutamic acid and aspartic acid. This variant is not present in population databases (ExAC no frequency). This variant has not been reported in the literature in individuals with ORAI1-related conditions. Experimental studies and prediction algorithms are not available or were not evaluated, and the functional significance of this variant is currently unknown. In summary, the available evidence is currently insufficient to determine the role of this variant in disease. Therefore, it has been classified as a Variant of Uncertain Significance.